The following is an entry in ClinVar:

NM_001364564.1(SALL2):c.1738T>C (p.Leu580=)

Gene: SALL2 (spalt like transcription factor 2; minus strand). Cytogenetic location: 14q11.2.
Variant type: single nucleotide variant.
Coding change: c.1738T>C on transcript NM_001364564.1 (MANE Select); coding-DNA position 1738, T replaced by C.
Protein change: p.Leu580=; no amino-acid change (leucine 580 retained).
Molecular consequence: synonymous variant.
Genome position (GRCh38, 1-based): chr14:21,523,984, A>G on the plus strand (T>C on the coding strand, the complement: SALL2 is on the minus strand). VCF-style: chr14-21523984-A-G. GRCh37 (hg19) VCF-style: chr14-21992118-A-G.
Other names: c.1339T>C, p.Leu447= (NM_001291446.2); c.1333T>C, p.Leu445= (NM_001291447.2); c.1744T>C, p.Leu582= (NM_005407.3).
Identifiers: ClinVar variation 2644068 (VCV002644068.24), dbSNP rs2502233997, ClinGen allele CA485005162.
Genomic context (GRCh38, chr14:21,523,984, plus strand): 5'-GCCGGTCAATCTTTTCTACCAGTTGCTGCAGCTTTGATGTCTCAGAGGGTGAGGCCCCCA[A>G]GGGCTCTAGCACATAGGGGAAGGGGAAGCTGCCAGTGGACTTGAAGTGGTTGGTAAGCAG-3'
Protein context (NP_001351493.1, residues 570-590): SFPFPYVLEP[Leu580=]GASPSETSKL

ClinVar aggregate classification (germline): Likely benign (1 of 4 stars; one submission).

gnomAD v4.1: 1 of 1,614,248 alleles (0.000062%); highest among the groups gnomAD compares: Non-Finnish European, 0.000085%; no homozygotes.

Submission:

CeGaT Center for Human Genetics Tuebingen
Classification: Likely benign. Last evaluated: 2022-05-01. Review status: criteria provided, single submitter. Criteria: CeGaT Center For Human Genetics Tuebingen Variant Classification Criteria Version 2. Collection method: clinical testing. Allele origin: germline. Affected: yes. Observed: 1 variant allele.
Comment: SALL2: PM2:Supporting, BP4, BP7